The following is an entry in ClinVar:

ClinVar aggregate classification (germline): Uncertain significance (1 of 4 stars; one submission).

Allele frequency attached by ClinVar (database versions not stated): gnomAD exomes below 0.00001.
gnomAD v4.1: 2 of 1,614,126 alleles (0.00012%); highest among the groups gnomAD compares: Non-Finnish European, 0.00017%; no homozygotes.

Submission:

Labcorp Genetics (formerly Invitae), Labcorp
Classification: Uncertain significance. Last evaluated: 2022-07-27. Review status: criteria provided, single submitter. Criteria: Invitae Variant Classification Sherloc (09022015). Collection method: clinical testing. Allele origin: germline.
Comment: In summary, the available evidence is currently insufficient to determine the role of this variant in disease. Therefore, it has been classified as a Variant of Uncertain Significance. Advanced modeling of protein sequence and biophysical properties (such as structural, functional, and spatial information, amino acid conservation, physicochemical variation, residue mobility, and thermodynamic stability) performed at Invitae indicates that this missense variant is expected to disrupt TYR protein function. This variant has not been reported in the literature in individuals affected with TYR-related conditions. This variant is not present in population databases (gnomAD no frequency). This sequence change replaces tyrosine, which is neutral and polar, with phenylalanine, which is neutral and non-polar, at codon 181 of the TYR protein (p.Tyr181Phe).

NM_000372.5(TYR):c.542A>T (p.Tyr181Phe)

Gene: TYR (tyrosinase; plus strand). Cytogenetic location: 11q14.3.
Variant type: single nucleotide variant.
Coding change: c.542A>T on transcript NM_000372.5 (MANE Select); coding-DNA position 542, A replaced by T.
Protein change: p.Tyr181Phe; replaces tyrosine 181 with phenylalanine.
Molecular consequence: missense variant.
Genome position (GRCh38, 1-based): chr11:89,178,495, A>T. VCF-style: chr11-89178495-A-T. GRCh37 (hg19) VCF-style: chr11-88911663-A-T.
Other names: short protein forms Y181F.
Identifiers: ClinVar variation 2121164 (VCV002121164.2), dbSNP rs2496529708, ClinGen allele CA382034632.